The following is an entry in ClinVar:

ClinVar aggregate classification (germline): Uncertain significance. Review status: criteria provided, multiple submitters, no conflicts (2 of 4 stars). 4 submissions from 4 submitters: Uncertain significance (4). Last evaluated 2025-08-01.

Allele frequency attached by ClinVar (database versions not stated): gnomAD 0.00003; TOPMed 0.00003; ESP Exome Variant Server 0.00008; 1000 Genomes Project 30x 0.00016.
gnomAD v4.1: 41 of 1,612,800 alleles (0.0025%); highest among the groups gnomAD compares: East Asian, 0.036%; no homozygotes.

Submissions (4):

CeGaT Center for Human Genetics Tuebingen
Classification: Uncertain significance. Last evaluated: 2025-08-01. Review status: criteria provided, single submitter. Criteria: CeGaT Center For Human Genetics Tuebingen Variant Classification Criteria Version 2. Collection method: clinical testing. Allele origin: germline. Affected: yes. Observed: 2 variant alleles.
Comment: SPG7: PM2:Supporting

Athena Diagnostics
Classification: Uncertain significance. Last evaluated: 2025-03-13. Review status: criteria provided, single submitter. Criteria: Athena Diagnostics Criteria. Collection method: clinical testing. Allele origin: unknown.
Comment: Available data are insufficient to determine the clinical significance of the variant at this time. The frequency of this variant in the general population is uninformative in assessment of its pathogenicity. Polyphen and MutationTaster predict this amino acid change may be benign.

Blueprint Genetics
Classification: Uncertain significance. Last evaluated: 2024-05-14. Review status: criteria provided, single submitter. Criteria: ACMG Guidelines, 2015. Collection method: clinical testing. Allele origin: germline.

GeneDx
Classification: Uncertain significance. Last evaluated: 2021-04-07. Review status: criteria provided, single submitter. Criteria: GeneDx Variant Classification Process June 2021. Collection method: clinical testing. Allele origin: germline. Affected: yes.
Comment: In silico analysis supports that this missense variant has a deleterious effect on protein structure/function; Has not been previously published as pathogenic or benign to our knowledge

Literature cited by the submitters: PubMed 33841295 (cited by Athena Diagnostics).

NM_003119.4(SPG7):c.347C>T (p.Ser116Leu)

Gene: SPG7 (SPG7 matrix AAA peptidase subunit, paraplegin; plus strand). Cytogenetic location: 16q24.3.
Variant type: single nucleotide variant.
Coding change: c.347C>T on transcript NM_003119.4 (MANE Select); coding-DNA position 347, C replaced by T.
Protein change: p.Ser116Leu; replaces serine 116 with leucine.
Molecular consequence: missense variant.
Genome position (GRCh38, 1-based): chr16:89,513,008, C>T. VCF-style: chr16-89513008-C-T. GRCh37 (hg19) VCF-style: chr16-89579416-C-T.
Other names: p.S116L:TCG>TTG; c.347C>T, p.Ser116Leu (NM_001363850.1, NM_199367.3); short protein forms S116L.
Identifiers: ClinVar variation 215197 (VCV000215197.28), dbSNP rs149474131, ClinGen allele CA324851.